The following is an entry in ClinVar:

NC_000020.10:g.(?_17587682)_(18168103_?)del

Genes: BANF2 (BANF family member 2; plus strand), DSTN (destrin, actin depolymerizing factor; plus strand), KAT14 (lysine acetyltransferase 14; plus strand), MGME1 (mitochondrial genome maintenance exonuclease 1; plus strand), OVOL2 (ovo like zinc finger 2; minus strand) and 3 more. Cytogenetic location: 20p12.1-11.23.
Variant type: Deletion.
Identifiers: ClinVar variation 2427149 (VCV002427149.2).

ClinVar aggregate classification (germline): Pathogenic (1 of 4 stars; one submission).

Submission:

Labcorp Genetics (formerly Invitae), Labcorp
Classification: Pathogenic. Last evaluated: 2022-06-27. Review status: criteria provided, single submitter. Criteria: Invitae Variant Classification Sherloc (09022015). Collection method: clinical testing. Allele origin: germline.
Comment: A gross deletion of the genomic region encompassing the full coding sequence of the MGME1 gene has been identified. Loss-of-function variants in MGME1 are known to be pathogenic (PMID: 23313956). The boundaries of this event are unknown as they extend beyond the assayed region for this gene and therefore may encompass additional genes. This variant has not been reported in the literature in individuals affected with MGME1-related conditions. For these reasons, this variant has been classified as Pathogenic.

Literature cited by the submitters: PubMed 23313956.